The following is an entry in ClinVar:

ClinVar aggregate classification (germline): Pathogenic (1 of 4 stars; one submission).

Conditions:
Galactosylceramide beta-galactosidase deficiency. Also called: GALACTOCEREBROSIDASE DEFICIENCY; GALC DEFICIENCY; GLOBOID CELL LEUKOENCEPHALOPATHY; Leukodystrophy, Globoid Cell; Krabbe Disease. Identifiers: Orphanet 487, MedGen C0023521, MONDO:0009499, OMIM 245200.

Submission:

Labcorp Genetics (formerly Invitae), Labcorp
Classification: Pathogenic for Galactosylceramide beta-galactosidase deficiency. Last evaluated: 2023-09-08. Review status: criteria provided, single submitter. Criteria: Invitae Variant Classification Sherloc (09022015). Collection method: clinical testing. Allele origin: unknown.
Comment: For these reasons, this variant has been classified as Pathogenic. This variant disrupts a region of the GALC protein in which other variant(s) (p.Trp426Gly) have been determined to be pathogenic (PMID: 10234611, 27638593). This suggests that this is a clinically significant region of the protein, and that variants that disrupt it are likely to be disease-causing. This variant has not been reported in the literature in individuals affected with GALC-related conditions. This variant is a gross deletion of the genomic region encompassing exon(s) 7-12 of the GALC gene. This variant would be expected to be in-frame, preserving the integrity of the reading frame.

Literature cited by the submitters: PubMed 10234611; PubMed 27638593.

NC_000014.8:g.(?_88416169)_(88442852_?)del

Gene: GALC (galactosylceramidase; minus strand). Cytogenetic location: 14q31.3.
Variant type: Deletion.
Identifiers: ClinVar variation 3243947 (VCV003243947.1).